The following is an entry in ClinVar:

NM_001429.4(EP300):c.5054T>C (p.Val1685Ala)

Gene: EP300 (EP300 lysine acetyltransferase; plus strand). Cytogenetic location: 22q13.2.
Variant type: single nucleotide variant.
Coding change: c.5054T>C on transcript NM_001429.4 (MANE Select); coding-DNA position 5054, T replaced by C.
Protein change: p.Val1685Ala; replaces valine 1685 with alanine.
Molecular consequence: missense variant.
Genome position (GRCh38, 1-based): chr22:41,176,521, T>C. VCF-style: chr22-41176521-T-C. GRCh37 (hg19) VCF-style: chr22-41572525-T-C.
Other names: c.4976T>C, p.Val1659Ala (NM_001362843.2); short protein forms V1685A, V1659A.
Identifiers: ClinVar variation 3673569 (VCV003673569.2).
Genomic context (GRCh38, chr22:41,176,521, plus strand): 5'-GCTTTGTCTACACCTGCAATGAATGCAAGCACCATGTGGAGACACGCTGGCACTGTACTG[T>C]CTGTGAGGTAGGCACCGGGTTGTGGGAAGGAGGAGGTGAGCTCCGCAGGGTTGTTCTGAG-3'
Protein context (NP_001420.2, residues 1675-1695): HHVETRWHCT[Val1685Ala]CEDYDLCITC

ClinVar aggregate classification (germline): Uncertain significance (1 of 4 stars; one submission).

Conditions:
Rubinstein-Taybi syndrome due to EP300 haploinsufficiency. Also called: EP300-Related Rubinstein-Taybi Syndrome; RUBINSTEIN-TAYBI SYNDROME 2. Identifiers: Orphanet 353284, Orphanet 783, MedGen C3150941, MONDO:0013364, OMIM 613684.

gnomAD v4.1: 19 of 1,613,674 alleles (0.0012%); highest among the groups gnomAD compares: Admixed American, 0.0017%; no homozygotes.

Submission:

Labcorp Genetics (formerly Invitae), Labcorp
Classification: Uncertain significance for Rubinstein-Taybi syndrome due to EP300 haploinsufficiency. Last evaluated: 2025-05-17. Review status: criteria provided, single submitter. Criteria: Invitae Variant Classification Sherloc (09022015). Collection method: clinical testing. Allele origin: germline.
Comment: This sequence change replaces valine, which is neutral and non-polar, with alanine, which is neutral and non-polar, at codon 1685 of the EP300 protein (p.Val1685Ala). This variant is present in population databases (rs748374833, gnomAD 0.003%). This variant has not been reported in the literature in individuals affected with EP300-related conditions. ClinVar contains an entry for this variant (Variation ID: 3673569). Invitae Evidence Modeling of protein sequence and biophysical properties (such as structural, functional, and spatial information, amino acid conservation, physicochemical variation, residue mobility, and thermodynamic stability) indicates that this missense variant is expected to disrupt EP300 protein function with a positive predictive value of 80%. In summary, the available evidence is currently insufficient to determine the role of this variant in disease. Therefore, it has been classified as a Variant of Uncertain Significance.